The following is an entry in ClinVar:

NM_003000.3(SDHB):c.201-16T>C

Gene: SDHB (succinate dehydrogenase complex iron sulfur subunit B; minus strand). Cytogenetic location: 1p36.13.
Variant type: single nucleotide variant.
Coding change: c.201-16T>C on transcript NM_003000.3 (MANE Select); 16 bases into the intron before coding-DNA position 201, T replaced by C.
Molecular consequence: intron variant.
Genome position (GRCh38, 1-based): chr1:17,033,161, A>G on the plus strand (T>C on the coding strand, the complement: SDHB is on the minus strand). VCF-style: chr1-17033161-A-G. GRCh37 (hg19) VCF-style: chr1-17359656-A-G.
Other names: c.201-16T>C (NM_001407361.1).
Identifiers: ClinVar variation 3904477 (VCV003904477.1).

ClinVar aggregate classification (germline): Likely benign (1 of 4 stars; one submission).

Conditions:
Pheochromocytoma/paraganglioma syndrome 4. Also called: CAROTID BODY TUMORS AND MULTIPLE EXTRAADRENAL PHEOCHROMOCYTOMAS; PARAGANGLIOMA, FAMILIAL MALIGNANT; PARAGANGLIOMAS, HEREDITARY EXTRAADRENAL; PHEOCHROMOCYTOMA, FAMILIAL EXTRAADRENAL; Paragangliomas 4; SDHB-Related Hereditary Paraganglioma-Pheochromocytoma Syndrome (Paragangliomas 4). Identifiers: Orphanet 29072, MedGen C1861848, MONDO:0007273, OMIM 115310.

Submission:

Myriad Genetics, Inc.
Classification: Likely benign for Pheochromocytoma/paraganglioma syndrome 4. Last evaluated: 2025-03-12. Review status: criteria provided, single submitter. Criteria: Myriad Autosomal Dominant, Autosomal Recessive and X-Linked Classification Criteria (2023). Collection method: clinical testing. Allele origin: unknown.
Comment: This variant is considered likely benign. This variant is intronic and is not expected to impact mRNA splicing.